The following is an entry in ClinVar:

ClinVar aggregate classification (germline): Likely pathogenic. Review status: criteria provided, multiple submitters, no conflicts (2 of 4 stars). 2 submissions from 2 submitters: Likely pathogenic (2). Last evaluated 2021-11-17.

Conditions:
Inborn genetic diseases. Identifiers: MedGen C0950123, MeSH D030342.

Submissions (2):

Ambry Genetics
Classification: Likely pathogenic for Inborn genetic diseases. Last evaluated: 2021-11-17. Review status: criteria provided, single submitter. Criteria: Ambry Variant Classification Scheme 2023. Collection method: clinical testing. Allele origin: germline.
Comment: The c.3042dupA (p.E1015Rfs*27) alteration, located in exon 24 (coding exon 20) of the ZMIZ1 gene, consists of a duplication of A at position 3042, causing a translational frameshift with a predicted alternate stop codon after 27 amino acids. This alteration occurs at the 3' terminus of the ZMIZ1 gene, is not expected to trigger nonsense-mediated mRNA decay, and only impacts the last 5% of the protein. However, premature stop codons are typically deleterious in nature and another alteration resulting in the same truncation position (p.T1038Nfs*4) has been reported in the literature as disease-causing (Carapito, 2018). In addition, the truncated region contains a functionally important protein domain (see below). This variant was not reported in population-based cohorts in the Genome Aggregation Database (gnomAD). The p.E1015Rfs*27 alteration is predicted to affect the last 53 amino acids of the protein, which involves the transactivation domain (TAD). The TAD has been shown to induce transcription of Myc transcripts and drive proliferation (Pinnell, 2015). Based on the available evidence, this alteration is classified as likely pathogenic.

Institute of Medical Genetics and Applied Genomics, University Hospital Tübingen
Classification: Likely pathogenic. Last evaluated: 2020-10-23. Review status: criteria provided, single submitter. Criteria: ACMG Guidelines, 2015. Collection method: clinical testing. Allele origin: germline. Inheritance: Autosomal dominant inheritance. Affected: yes.

Literature cited by the submitters: PubMed 26522984 (cited by Ambry Genetics); PubMed 30639322 (cited by Ambry Genetics).

NM_020338.4(ZMIZ1):c.3042dup (p.Glu1015fs)

Gene: ZMIZ1 (zinc finger MIZ-type containing 1; plus strand). Cytogenetic location: 10q22.3.
Variant type: Duplication.
Coding change: c.3042dup on transcript NM_020338.4 (MANE Select); coding-DNA position 3042, one base duplicated (A; older notation c.3042dupA).
Protein change: p.Glu1015fs; shifts the reading frame from glutamic acid 1015.
Molecular consequence: frameshift variant.
Genome position (GRCh38, 1-based): chr10:79,311,130, A duplicated. VCF-style (leftmost placement, unchanged base first): chr10-79311129-T-TA. GRCh37 (hg19) VCF-style: chr10-81070886-T-TA.
Other names: short protein forms E1015fs.
Identifiers: ClinVar variation 985978 (VCV000985978.6), dbSNP rs1855126420, ClinGen allele CA1139661531.